The following is an entry in ClinVar:

NM_002599.5(PDE2A):c.113C>A (p.Pro38Gln)

Gene: PDE2A (phosphodiesterase 2A; minus strand). Cytogenetic location: 11q13.4.
Variant type: single nucleotide variant.
Coding change: c.113C>A on transcript NM_002599.5 (MANE Select); coding-DNA position 113, C replaced by A.
Protein change: p.Pro38Gln; replaces proline 38 with glutamine.
Molecular consequence: missense variant. On other transcripts: 5 prime UTR variant (1).
Genome position (GRCh38, 1-based): chr11:72,642,285, G>T on the plus strand (C>A on the coding strand, the complement: PDE2A is on the minus strand). VCF-style: chr11-72642285-G-T. GRCh37 (hg19) VCF-style: chr11-72353329-G-T.
Other names: c.92C>A, p.Pro31Gln (NM_001143839.4); c.86C>A, p.Pro29Gln (NM_001146209.3); c.-13C>A (NM_001243784.2); short protein forms P29Q, P31Q, P38Q.
Identifiers: ClinVar variation 3005516 (VCV003005516.3), dbSNP rs1400999468, ClinGen allele CA381746623.

ClinVar aggregate classification (germline): Uncertain significance (1 of 4 stars; one submission).

Allele frequency attached by ClinVar (database versions not stated): gnomAD exomes below 0.00001.
gnomAD v4.1: 4 of 1,521,896 alleles (0.00026%); highest among the groups gnomAD compares: Non-Finnish European, 0.00018%; no homozygotes.

Submission:

Labcorp Genetics (formerly Invitae), Labcorp
Classification: Uncertain significance. Last evaluated: 2023-06-06. Review status: criteria provided, single submitter. Criteria: Invitae Variant Classification Sherloc (09022015). Collection method: clinical testing. Allele origin: germline.
Comment: This sequence change replaces proline, which is neutral and non-polar, with glutamine, which is neutral and polar, at codon 38 of the PDE2A protein (p.Pro38Gln). This variant is not present in population databases (gnomAD no frequency). This variant has not been reported in the literature in individuals affected with PDE2A-related conditions. An algorithm developed to predict the effect of missense changes on protein structure and function (PolyPhen-2) suggests that this variant is likely to be tolerated. In summary, the available evidence is currently insufficient to determine the role of this variant in disease. Therefore, it has been classified as a Variant of Uncertain Significance.